The following is an entry in ClinVar:

ClinVar aggregate classification (germline): Benign (1 of 4 stars; one submission).

Allele frequency attached by ClinVar (database versions not stated): gnomAD exomes 0.00027; 1000 Genomes Project 30x 0.00203; 1000 Genomes Project 0.00220; gnomAD 0.00261; TOPMed 0.00290.
gnomAD v4.1: 471 of 398,420 alleles (0.12%); highest among the groups gnomAD compares: African/African-American, 0.88%; no homozygotes.

Submission:

CeGaT Center for Human Genetics Tuebingen
Classification: Benign. Last evaluated: 2024-02-01. Review status: criteria provided, single submitter. Criteria: CeGaT Center For Human Genetics Tuebingen Variant Classification Criteria Version 2. Collection method: clinical testing. Allele origin: germline. Affected: yes. Observed: 1 variant allele.
Comment: KCNQ1OT1: BS1, BS2

NM_000218.3(KCNQ1):c.1514+16327C>T

Genes: KCNQ1 (potassium voltage-gated channel subfamily Q member 1; plus strand), KCNQ1OT1 (KCNQ1 opposite strand/antisense transcript 1; minus strand). Cytogenetic location: 11p15.5.
Variant type: single nucleotide variant.
Coding change: c.1514+16327C>T on transcript NM_000218.3 (MANE Select); 16327 bases into the intron after coding-DNA position 1514, C replaced by T.
Molecular consequence: intron variant. On other transcripts: non-coding transcript variant (1).
Genome position (GRCh38, 1-based): chr11:2,678,408, C>T. VCF-style: chr11-2678408-C-T. GRCh37 (hg19) VCF-style: chr11-2699638-C-T.
Other names: c.1244+16327C>T (NM_001406837.1); c.1418+16327C>T (NM_001406836.1); c.974+16327C>T (NM_001406838.1); c.1133+16327C>T (NM_181798.2).
Identifiers: ClinVar variation 3026386 (VCV003026386.22), dbSNP rs567057227, ClinGen allele CA216183110.